The following is an entry in ClinVar:

NM_014915.3(ANKRD26):c.1036A>G (p.Lys346Glu)

Gene: ANKRD26 (ankyrin repeat domain containing 26; minus strand). Cytogenetic location: 10p12.1.
Variant type: single nucleotide variant.
Coding change: c.1036A>G on transcript NM_014915.3 (MANE Select); coding-DNA position 1036, A replaced by G.
Protein change: p.Lys346Glu; replaces lysine 346 with glutamic acid.
Molecular consequence: missense variant.
Genome position (GRCh38, 1-based): chr10:27,077,379, T>C on the plus strand (A>G on the coding strand, the complement: ANKRD26 is on the minus strand). VCF-style: chr10-27077379-T-C. GRCh37 (hg19) VCF-style: chr10-27366308-T-C.
Other names: c.1036A>G, p.Lys346Glu (NM_001256053.2); short protein forms K346E.
Identifiers: ClinVar variation 3913618 (VCV003913618.1).

ClinVar aggregate classification (germline): Uncertain significance (1 of 4 stars; one submission).

Conditions:
Inborn genetic diseases. Identifiers: MedGen C0950123, MeSH D030342.

gnomAD v4.1: 5 of 1,613,974 alleles (0.00031%); highest among the groups gnomAD compares: Non-Finnish European, 0.00042%; no homozygotes.

Submission:

Ambry Genetics
Classification: Uncertain significance for Inborn genetic diseases. Last evaluated: 2025-04-08. Review status: criteria provided, single submitter. Criteria: Ambry Variant Classification Scheme 2023. Collection method: clinical testing. Allele origin: germline.
Comment: The p.K346E variant (also known as c.1036A>G), located in coding exon 9 of the ANKRD26 gene, results from an A to G substitution at nucleotide position 1036. The lysine at codon 346 is replaced by glutamic acid, an amino acid with similar properties. This amino acid position is conserved. In addition, this alteration is predicted to be tolerated by in silico analysis. Based on the available evidence, the clinical significance of this variant remains unclear.